The following is an entry in ClinVar:

ClinVar aggregate classification (germline): Pathogenic (1 of 4 stars; one submission).

Submission:

Labcorp Genetics (formerly Invitae), Labcorp
Classification: Pathogenic. Last evaluated: 2022-11-02. Review status: criteria provided, single submitter. Criteria: Invitae Variant Classification Sherloc (09022015). Collection method: clinical testing. Allele origin: germline.
Comment: This sequence change creates a premature translational stop signal (p.Asp1141Tyrfs*5) in the VPS13A gene. It is expected to result in an absent or disrupted protein product. Loss-of-function variants in VPS13A are known to be pathogenic (PMID: 12404112, 21598378). This variant is not present in population databases (gnomAD no frequency). This variant has not been reported in the literature in individuals affected with VPS13A-related conditions. For these reasons, this variant has been classified as Pathogenic.

Literature cited by the submitters: PubMed 12404112; PubMed 21598378.

NM_033305.3(VPS13A):c.3421_3422del (p.Asp1141fs)

Gene: VPS13A (vacuolar protein sorting 13 homolog A; plus strand). Cytogenetic location: 9q21.2.
Variant type: Deletion.
Coding change: c.3421_3422del on transcript NM_033305.3 (MANE Select); coding-DNA positions 3421 to 3422, 2 bases deleted (GA; older notation c.3421_3422delGA).
Protein change: p.Asp1141fs; shifts the reading frame from aspartic acid 1141.
Molecular consequence: frameshift variant.
Genome position (GRCh38, 1-based): chr9:77,293,422-77,293,423, GA deleted; deleting any 2 consecutive bases within chr9:77,293,421-77,293,423 gives the same sequence; the c. name uses the placement nearest the transcript's 3' end. VCF-style (leftmost placement, unchanged base first): chr9-77293420-CAG-C. GRCh37 (hg19) VCF-style: chr9-79908336-CAG-C.
Other names: c.3304_3305del, p.Asp1102fs (NM_001018037.2); c.3421_3422del, p.Asp1141fs (NM_001018038.3, NM_015186.4); short protein forms D1102fs, D1141fs.
Identifiers: ClinVar variation 2810463 (VCV002810463.3), dbSNP rs2537885517, ClinGen allele CA2739269297.